The following is an entry in ClinVar:

NM_001145809.2(MYH14):c.*368C>G

Gene: MYH14 (myosin heavy chain 14; plus strand). Cytogenetic location: 19q13.33.
Variant type: single nucleotide variant.
Coding change: c.*368C>G on transcript NM_001145809.2 (MANE Select); 368 bases downstream of the stop codon, C replaced by G.
Molecular consequence: 3 prime UTR variant.
Genome position (GRCh38, 1-based): chr19:50,310,158, C>G. VCF-style: chr19-50310158-C-G. GRCh37 (hg19) VCF-style: chr19-50813415-C-G.
Other names: c.*368C>G (NM_001077186.2, NM_024729.4).
Identifiers: ClinVar variation 892974 (VCV000892974.4), dbSNP rs74582015, ClinGen allele CA309598476.

ClinVar aggregate classification (germline): Likely benign (1 of 4 stars; one submission).

Conditions:
Autosomal dominant nonsyndromic hearing loss 4A. Also called: Deafness, autosomal dominant 4A. Identifiers: Orphanet 90635, MedGen C1833503, MONDO:0010915, OMIM 600652.

Allele frequency attached by ClinVar (database versions not stated): 1000 Genomes Project 30x 0.00078; 1000 Genomes Project 0.00080; TOPMed 0.00158; gnomAD 0.00188 and 0.00192; gnomAD exomes 0.00202.
gnomAD v4.1: 599 of 310,546 alleles (0.19%); highest among the groups gnomAD compares: Non-Finnish European, 0.31%; no homozygotes.

Submission:

Illumina Laboratory Services, Illumina
Classification: Likely benign for Autosomal dominant nonsyndromic hearing loss 4A. Last evaluated: 2018-01-12. Review status: criteria provided, single submitter. Criteria: ICSL Variant Classification Criteria 13 December 2019. Collection method: clinical testing. Allele origin: germline.
Comment: This variant was observed in the ICSL laboratory as part of a predisposition screen in an ostensibly healthy population. It had not been previously curated by ICSL or reported in the Human Gene Mutation Database (HGMD: prior to June 1st, 2018), and was therefore a candidate for classification through an automated scoring system. Utilizing variant allele frequency, disease prevalence and penetrance estimates, and inheritance mode, an automated score was calculated to assess if this variant is too frequent to cause the disease. Based on the score and internal cut-off values, a variant classified as likely benign is not then subjected to further curation. The score for this variant resulted in a classification of likely benign for this disease.